The following is an entry in ClinVar:

ClinVar aggregate classification (germline): Pathogenic. Review status: criteria provided, multiple submitters, no conflicts (2 of 4 stars). 3 submissions from 3 submitters: Pathogenic (3). Last evaluated 2025-12-19.

Conditions:
Bilateral frontoparietal polymicrogyria. Also called: CORTICAL DYSPLASIA, COMPLEX, WITH OTHER BRAIN MALFORMATIONS 14A (BILATERAL FRONTOPARIETAL); CEREBELLAR ATAXIA WITH NEURONAL MIGRATION DEFECT. Identifiers: Orphanet 101070, MedGen C1847352, MONDO:0011738, OMIM 606854.

Allele frequency attached by ClinVar (database versions not stated): gnomAD 0.00001; gnomAD exomes 0.00001; TOPMed 0.00001; ExAC 0.00002.
gnomAD v4.1: 14 of 1,613,848 alleles (0.00087%); highest among the groups gnomAD compares: South Asian, 0.0044%; no homozygotes.

Submissions (3):

Natera, Inc.
Classification: Pathogenic for Bilateral frontoparietal polymicrogyria. Last evaluated: 2025-12-19. Review status: criteria provided, single submitter. Criteria: Natera Variant Classification Schema (03/2026). Collection method: clinical testing. Allele origin: germline.
Comment: The c.1504C>T variant in ADGRG1 is a nonsense variant predicted to introduce a stop codon at amino acid 502. This variant is expected to result in nonsense mediated decay, truncation, or a dysfunctional protein product. This variant is rare in the general population with a frequency below the threshold expected for the associated phenotype(s). This variant has been observed in one or more individuals affected with the associated recessive disease, as either homozygous or compound heterozygous with a second variant (PMID: 34513772). Given the available evidence, this variant is classified as Pathogenic.

Labcorp Genetics (formerly Invitae), Labcorp
Classification: Pathogenic. Last evaluated: 2023-11-13. Review status: criteria provided, single submitter. Criteria: Invitae Variant Classification Sherloc (09022015). Collection method: clinical testing. Allele origin: germline.
Comment: This sequence change creates a premature translational stop signal (p.Arg502*) in the ADGRG1 gene. It is expected to result in an absent or disrupted protein product. Loss-of-function variants in ADGRG1 are known to be pathogenic (PMID: 15044805, 20929962). This variant is present in population databases (rs746634404, gnomAD 0.006%). This premature translational stop signal has been observed in individual(s) with ADGRG1-related conditions (PMID: 34513772). ClinVar contains an entry for this variant (Variation ID: 1369485). For these reasons, this variant has been classified as Pathogenic.

Lifecell International Pvt. Ltd
Classification: Pathogenic for Bilateral frontoparietal polymicrogyria. Review status: criteria provided, single submitter. Criteria: ACMG Guidelines, 2015. Collection method: clinical testing. Allele origin: germline. Inheritance: Autosomal recessive inheritance. Affected: yes. Observed: 1 homozygote.
Comment: A Homozygote Nonsense variant c.1504C>T in Exon 12 of the ADGRG1 gene that results in the amino acid substitution p.Arg502* was identified. The observed variant has a minor allele frequency of 0.00001/% in gnomAD exomes and genomes, respectively. The severity of the impact of this variant on the protein is high, based on the effect of the protein and REVEL score. Rare Exome Variant Ensemble Learner (REVEL) is an ensembl method for predicting the pathogenicity of missense variants based on a combination of scores from 13 individual tools: MutPred, FATHMM v2.3, VEST 3.0, PolyPhen-2, SIFT, PROVEAN, MutationAssessor, MutationTaster, LRT, GERP++, SiPhy, phyloP, and phastCons. The REVEL score for an individual missense variant can range from 0 to 1, with higher scores reflecting greater likelihood that the variant is disease-causing. ClinVar has also classified this variant as Pathogenic (Variation ID: 1369485). The variant has been previously reported for frontoparietal polymicrogyria by Piao X, et al., 2004. Functional experiments revealed that this sequence change creates a premature translational stop signal (p.Arg502*) in the ADGRG1 gene. It is expected to result in an absent or disrupted protein product. Loss-of-function variants in ADGRG1 are known to be pathogenic. (Bahi-Buisson N, et al., 2010). Based on the above evidence this variant has been classified as Pathogenic according to the ACMG guidelines.

Literature cited by the submitters: PubMed 34513772 (cited by Natera, Inc. and Labcorp Genetics (formerly Invitae), Labcorp); PubMed 15044805 (cited by Labcorp Genetics (formerly Invitae), Labcorp); PubMed 20929962 (cited by Labcorp Genetics (formerly Invitae), Labcorp and Lifecell International Pvt. Ltd).

NM_201525.4(ADGRG1):c.1486C>T (p.Arg496Ter)

Gene: ADGRG1 (adhesion G protein-coupled receptor G1; plus strand). Cytogenetic location: 16q21.
Variant type: single nucleotide variant.
Coding change: c.1486C>T on transcript NM_201525.4 (MANE Select); coding-DNA position 1486, C replaced by T.
Protein change: p.Arg496Ter; replaces arginine 496 with a stop codon.
Molecular consequence: nonsense.
Genome position (GRCh38, 1-based): chr16:57,659,612, C>T. VCF-style: chr16-57659612-C-T. GRCh37 (hg19) VCF-style: chr16-57693524-C-T.
Other names: c.1504C>T (NM_005682.6); c.1486C>T, p.Arg496Ter (NM_001145770.3, NM_001145772.3, NM_001145774.3 and 7 more transcripts); c.1504C>T, p.Arg502Ter (NM_001145771.3, NM_001370428.1, NM_001370429.1 and 4 more transcripts); c.1501C>T, p.Arg501Ter (NM_001145773.3, NM_001370433.1, NM_001370434.1); c.994C>T, p.Arg332Ter (NM_001290142.2); c.979C>T, p.Arg327Ter (NM_001290143.2); c.961C>T, p.Arg321Ter (NM_001290144.2, NM_001370451.1, NM_001370453.1 and 1 more transcripts); c.1483C>T, p.Arg495Ter (NM_001370441.1); and 1 more; short protein forms R321*, R332*, R444*, R502*, R501*, R327*, R496*, R495*.
Identifiers: ClinVar variation 1369485 (VCV001369485.8), dbSNP rs746634404, ClinGen allele CA8078763.
Genomic context (GRCh38, chr16:57,659,612, plus strand): 5'-CTGCACTTCTCCCTGCTCACCTGCCTTTCCTGGATGGGCCTCGAGGGGTACAACCTCTAC[C>T]GACTCGTGGTGGAGGTCTTTGGCACCTATGTCCCTGGCTACCTACTCAAGCTGAGCGCCA-3'